The following is an entry in ClinVar:

ClinVar aggregate classification (germline): Conflicting classifications of pathogenicity. Review status: criteria provided, conflicting classifications (1 of 4 stars). 2 submissions from 2 submitters: Uncertain significance (1); Likely benign (1). Last evaluated 2025-06-03.

Conditions:
Hereditary cancer-predisposing syndrome. Also called: Neoplastic Syndromes, Hereditary; Tumor predisposition; Hereditary Cancer Syndrome; Hereditary neoplastic syndrome. Identifiers: Orphanet 140162, MedGen C0027672, MeSH D009386, MONDO:0015356.
Hereditary breast ovarian cancer syndrome. Also called: Hereditary breast and ovarian cancer syndrome (HBOC); BRCA1- and BRCA2-Associated Hereditary Breast and Ovarian Cancer; Hereditary breast and/or ovarian cancer syndrome; Hereditary breast and ovarian cancer; Breast and ovarian cancer; Hereditary breast and ovarian cancer syndrome. Identifiers: Orphanet 145, MedGen C0677776, MeSH D061325, MONDO:0003582. Disease mechanism: loss of function.

Submissions (2):

Ambry Genetics
Classification: Likely benign for Hereditary cancer-predisposing syndrome. Last evaluated: 2025-06-03. Review status: criteria provided, single submitter. Criteria: Ambry Variant Classification Scheme 2023. Collection method: clinical testing. Allele origin: germline.

Labcorp Genetics (formerly Invitae), Labcorp
Classification: Uncertain significance for Hereditary breast ovarian cancer syndrome. Last evaluated: 2025-01-23. Review status: criteria provided, single submitter. Criteria: Invitae Variant Classification Sherloc (09022015). Collection method: clinical testing. Allele origin: germline.
Comment: This sequence change replaces leucine, which is neutral and non-polar, with valine, which is neutral and non-polar, at codon 1357 of the BRCA2 protein (p.Leu1357Val). This variant is present in population databases (no rsID available, gnomAD 0.0009%). This missense change has been observed in individual(s) with breast and/or ovarian cancer (PMID: 31825140). Invitae Evidence Modeling of protein sequence and biophysical properties (such as structural, functional, and spatial information, amino acid conservation, physicochemical variation, residue mobility, and thermodynamic stability) indicates that this missense variant is not expected to disrupt BRCA2 protein function with a negative predictive value of 95%. In summary, the available evidence is currently insufficient to determine the role of this variant in disease. Therefore, it has been classified as a Variant of Uncertain Significance.

Literature cited by the submitters: PubMed 31825140 (cited by Labcorp Genetics (formerly Invitae), Labcorp).

NM_000059.4(BRCA2):c.4069C>G (p.Leu1357Val)

Gene: BRCA2 (BRCA2 DNA repair associated; plus strand). Cytogenetic location: 13q13.1.
Variant type: single nucleotide variant.
Coding change: c.4069C>G on transcript NM_000059.4 (MANE Select); coding-DNA position 4069, C replaced by G.
Protein change: p.Leu1357Val; replaces leucine 1357 with valine.
Molecular consequence: missense variant. On other transcripts: non-coding transcript variant (1), intron variant (2).
Genome position (GRCh38, 1-based): chr13:32,338,424, C>G. VCF-style: chr13-32338424-C-G. GRCh37 (hg19) VCF-style: chr13-32912561-C-G.
Other names: c.4069C>G, p.Leu1357Val (NM_001406719.1, NM_001406720.1, NM_001432077.1); c.1909+5037C>G (NM_001406721.1); c.425-6134C>G (NM_001406722.1); short protein forms L1357V.
Identifiers: ClinVar variation 3677117 (VCV003677117.3).